The following is an entry in ClinVar:

ClinVar aggregate classification (germline): Pathogenic (1 of 4 stars; one submission).

Conditions:
Cornelia de Lange syndrome 1 (CDLS1). Also called: Brachmann de Lange syndrome; NIPBL-Related Cornelia de Lange Syndrome; TYPUS DEGENERATIVUS AMSTELODAMENSIS. Identifiers: Orphanet 199, MedGen C4551851, MONDO:0007387, OMIM 122470.

Submission:

Labcorp Genetics (formerly Invitae), Labcorp
Classification: Pathogenic for Cornelia de Lange syndrome 1. Last evaluated: 2021-09-05. Review status: criteria provided, single submitter. Criteria: Invitae Variant Classification Sherloc (09022015). Collection method: clinical testing. Allele origin: germline.
Comment: For these reasons, this variant has been classified as Pathogenic. This variant disrupts a region of the NIPBL protein in which other variant(s) (p.Leu2778*) have been determined to be pathogenic (Invitae). This suggests that this is a clinically significant region of the protein, and that variants that disrupt it are likely to be disease-causing. This variant has not been reported in the literature in individuals affected with NIPBL-related conditions. This variant is a gross deletion of the genomic region encompassing exon(s) 7-47 of the NIPBL gene, which includes the termination codon. This deletion extends beyond the assayed region for this gene and therefore may encompass additional genes. While this deletion is not anticipated to lead to nonsense mediated decay, it is expected to alter mRNA translation or result in a truncated protein product.

NC_000005.9:g.(?_36970958)_(37371079_?)del

Genes: CPLANE1 (ciliogenesis and planar polarity effector complex subunit 1; minus strand), NIPBL (NIPBL cohesin loading factor; plus strand), NUP155 (nucleoporin 155; minus strand). Cytogenetic location: 5p13.2.
Variant type: Deletion.
Identifiers: ClinVar variation 1459695 (VCV001459695.4).